The following is an entry in ClinVar:

ClinVar aggregate classification (germline): Uncertain significance (1 of 4 stars; one submission).

Conditions:
Combined oxidative phosphorylation defect type 27. Also called: Combined oxidative phosphorylation deficiency 27. Identifiers: Orphanet 477774, MedGen C5567608, MONDO:0014728, OMIM 616672.

Allele frequency attached by ClinVar (database versions not stated): TOPMed below 0.00001.

Submission:

Labcorp Genetics (formerly Invitae), Labcorp
Classification: Uncertain significance for Combined oxidative phosphorylation defect type 27. Last evaluated: 2022-01-27. Review status: criteria provided, single submitter. Criteria: Invitae Variant Classification Sherloc (09022015). Collection method: clinical testing. Allele origin: germline.
Comment: This variant has not been reported in the literature in individuals affected with CARS2-related conditions. This variant is not present in population databases (gnomAD no frequency). This sequence change replaces valine, which is neutral and non-polar, with leucine, which is neutral and non-polar, at codon 487 of the CARS2 protein (p.Val487Leu). In summary, the available evidence is currently insufficient to determine the role of this variant in disease. Therefore, it has been classified as a Variant of Uncertain Significance. Algorithms developed to predict the effect of missense changes on protein structure and function are either unavailable or do not agree on the potential impact of this missense change (SIFT: "Deleterious"; PolyPhen-2: "Benign"; Align-GVGD: "Class C0").

NM_024537.4(CARS2):c.1459G>C (p.Val487Leu)

Gene: CARS2 (cysteinyl-tRNA synthetase 2, mitochondrial; minus strand). Cytogenetic location: 13q34.
Variant type: single nucleotide variant.
Coding change: c.1459G>C on transcript NM_024537.4 (MANE Select); coding-DNA position 1459, G replaced by C.
Protein change: p.Val487Leu; replaces valine 487 with leucine.
Molecular consequence: missense variant. On other transcripts: non-coding transcript variant (2).
Genome position (GRCh38, 1-based): chr13:110,642,479, C>G on the plus strand (G>C on the coding strand, the complement: CARS2 is on the minus strand). VCF-style: chr13-110642479-C-G. GRCh37 (hg19) VCF-style: chr13-111294826-C-G.
Other names: c.673G>C, p.Val225Leu (NM_001352252.2); short protein forms V487L, V225L.
Identifiers: ClinVar variation 2090356 (VCV002090356.4), dbSNP rs1887492995, ClinGen allele CA388740514.